The following is an entry in ClinVar:

NM_003098.3(SNTA1):c.496+3A>G

Genes: SNTA1 (syntrophin alpha 1; minus strand), LOC130065678 (ATAC-STARR-seq lymphoblastoid active region 17731; plus strand). Cytogenetic location: 20q11.21.
Variant type: single nucleotide variant.
Coding change: c.496+3A>G on transcript NM_003098.3 (MANE Select); 3 bases into the intron after coding-DNA position 496, A replaced by G.
Molecular consequence: intron variant.
Genome position (GRCh38, 1-based): chr20:33,438,838, T>C on the plus strand (A>G on the coding strand, the complement: SNTA1 is on the minus strand). VCF-style: chr20-33438838-T-C. GRCh37 (hg19) VCF-style: chr20-32026644-T-C.
Identifiers: ClinVar variation 940665 (VCV000940665.9), dbSNP rs768667646, ClinGen allele CA9817221.
Genomic context (GRCh38, chr20:33,438,838, plus strand): 5'-AGGTAGAGAAGCAGTGGAACACCTCCACCCAGCCCCTCTGAACCCTGGAACGTCAGTGCT[T>C]ACCCTCCAGCACCACCTCCTTGCCTGTCTTCTTGAGGACCTGCACCGCCTCATCATGGGT-3'

ClinVar aggregate classification (germline): Conflicting classifications of pathogenicity. Review status: criteria provided, conflicting classifications (1 of 4 stars). 2 submissions from 2 submitters: Uncertain significance (1); Benign (1). Last evaluated 2024-09-06.

Conditions:
Cardiovascular phenotype. Identifiers: MedGen CN230736.
Long QT syndrome (LQTS). Identifiers: MedGen C0023976, MeSH D008133, MONDO:0002442. Disease mechanism: loss of function. Inheritance: Various modes of inheritance.

Allele frequency attached by ClinVar (database versions not stated): TOPMed below 0.00001; ExAC 0.00002; gnomAD exomes 0.00002 and 0.00003.
gnomAD v4.1: 9 of 1,612,522 alleles (0.00056%); highest among the groups gnomAD compares: Admixed American, 0.015%; no homozygotes.

Submissions (2):

Ambry Genetics
Classification: Benign for Cardiovascular phenotype. Last evaluated: 2024-09-06. Review status: criteria provided, single submitter. Criteria: Ambry Variant Classification Scheme 2023. Collection method: clinical testing. Allele origin: germline.

Labcorp Genetics (formerly Invitae), Labcorp
Classification: Uncertain significance for Long QT syndrome. Last evaluated: 2024-02-24. Review status: criteria provided, single submitter. Criteria: Invitae Variant Classification Sherloc (09022015). Collection method: clinical testing. Allele origin: germline.
Comment: This sequence change falls in intron 2 of the SNTA1 gene. It does not directly change the encoded amino acid sequence of the SNTA1 protein. It affects a nucleotide within the consensus splice site. This variant is present in population databases (rs768667646, gnomAD 0.02%). This variant has not been reported in the literature in individuals affected with SNTA1-related conditions. ClinVar contains an entry for this variant (Variation ID: 940665). Variants that disrupt the consensus splice site are a relatively common cause of aberrant splicing (PMID: 17576681, 9536098). Algorithms developed to predict the effect of sequence changes on RNA splicing suggest that this variant is not likely to affect RNA splicing. In summary, the available evidence is currently insufficient to determine the role of this variant in disease. Therefore, it has been classified as a Variant of Uncertain Significance.

Literature cited by the submitters: PubMed 17576681 (cited by Labcorp Genetics (formerly Invitae), Labcorp); PubMed 9536098 (cited by Labcorp Genetics (formerly Invitae), Labcorp).